The following is an entry in ClinVar:

NM_000051.4(ATM):c.8462T>C (p.Met2821Thr)

Genes: ATM (ATM serine/threonine kinase; plus strand), C11orf65 (chromosome 11 open reading frame 65; minus strand). Cytogenetic location: 11q22.3.
Variant type: single nucleotide variant.
Coding change: c.8462T>C on transcript NM_000051.4 (MANE Select); coding-DNA position 8462, T replaced by C.
Protein change: p.Met2821Thr; replaces methionine 2821 with threonine.
Molecular consequence: missense variant. On other transcripts: intron variant (2).
Genome position (GRCh38, 1-based): chr11:108,345,786, T>C. VCF-style: chr11-108345786-T-C. GRCh37 (hg19) VCF-style: chr11-108216513-T-C.
Other names: c.8462T>C, p.Met2821Thr (NM_001351834.2); c.641-36715A>G (NM_001330368.2); c.695-10494A>G (NM_001351110.2); short protein forms M2821T.
Identifiers: ClinVar variation 822467 (VCV000822467.11), dbSNP rs1555138065, ClinGen allele CA382517949.

ClinVar aggregate classification (germline): Conflicting classifications of pathogenicity. Review status: criteria provided, conflicting classifications (1 of 4 stars). 2 submissions from 2 submitters: Uncertain significance (1); Likely benign (1). Last evaluated 2024-12-14.

Conditions:
Hereditary cancer-predisposing syndrome. Also called: Tumor predisposition; Neoplastic Syndromes, Hereditary; Hereditary Cancer Syndrome; Hereditary neoplastic syndrome. Identifiers: Orphanet 140162, MedGen C0027672, MeSH D009386, MONDO:0015356.
Ataxia-telangiectasia syndrome (AT). Also called: ATAXIA-TELANGIECTASIA, COMPLEMENTATION GROUP A; ATAXIA-TELANGIECTASIA, FRESNO VARIANT; Ataxia-telangiectasia; Ataxia-telangiectasia, complementation group D; AT, COMPLEMENTATION GROUP C; Ataxia-telangiectasia, complementation group E. Identifiers: Orphanet 100, MedGen C0004135, MONDO:0008840, OMIM 208900.

Submissions (2):

Ambry Genetics
Classification: Likely benign for Hereditary cancer-predisposing syndrome. Last evaluated: 2024-12-14. Review status: criteria provided, single submitter. Criteria: Ambry Variant Classification Scheme 2023. Collection method: clinical testing. Allele origin: germline.

Labcorp Genetics (formerly Invitae), Labcorp
Classification: Uncertain significance for Ataxia-telangiectasia syndrome. Last evaluated: 2023-08-18. Review status: criteria provided, single submitter. Criteria: Invitae Variant Classification Sherloc (09022015). Collection method: clinical testing. Allele origin: germline.
Comment: An algorithm developed to predict the effect of missense changes on protein structure and function (PolyPhen-2) suggests that this variant is likely to be tolerated. In summary, the available evidence is currently insufficient to determine the role of this variant in disease. Therefore, it has been classified as a Variant of Uncertain Significance. ClinVar contains an entry for this variant (Variation ID: 822467). This sequence change replaces methionine, which is neutral and non-polar, with threonine, which is neutral and polar, at codon 2821 of the ATM protein (p.Met2821Thr). This variant is not present in population databases (gnomAD no frequency). This variant has not been reported in the literature in individuals affected with ATM-related conditions.